The following is an entry in ClinVar:

ClinVar aggregate classification (germline): Conflicting classifications of pathogenicity. Review status: criteria provided, conflicting classifications (1 of 4 stars). 3 submissions from 3 submitters: Uncertain significance (2); Likely benign (1). Last evaluated 2026-06-03.

Conditions:
Hereditary cancer-predisposing syndrome. Also called: Tumor predisposition; Hereditary neoplastic syndrome; Neoplastic Syndromes, Hereditary; Hereditary Cancer Syndrome. Identifiers: Orphanet 140162, MedGen C0027672, MeSH D009386, MONDO:0015356.
Renal cell carcinoma. Identifiers: Orphanet 217071, MedGen C0007134, MeSH D002292, MONDO:0005086, HP:0005584.

Allele frequency attached by ClinVar (database versions not stated): ExAC 0.00001; gnomAD exomes below 0.00001; gnomAD 0.00001.
gnomAD v4.1: 6 of 1,613,860 alleles (0.00037%); highest among the groups gnomAD compares: Non-Finnish European, 0.00034%; no homozygotes.

Submissions (3):

Ambry Genetics
Classification: Likely benign for Hereditary cancer-predisposing syndrome. Last evaluated: 2026-06-03. Review status: criteria provided, single submitter. Criteria: Ambry Variant Classification Scheme 2023. Collection method: clinical testing. Allele origin: germline.

Labcorp Genetics (formerly Invitae), Labcorp
Classification: Uncertain significance for Renal cell carcinoma. Last evaluated: 2025-11-09. Review status: criteria provided, single submitter. Criteria: Invitae Variant Classification Sherloc (09022015). Collection method: clinical testing. Allele origin: germline.
Comment: This sequence change replaces proline, which is neutral and non-polar, with alanine, which is neutral and non-polar, at codon 164 of the MET protein (p.Pro164Ala). This variant is present in population databases (rs765759353, gnomAD 0.002%). This variant has not been reported in the literature in individuals affected with MET-related conditions. ClinVar contains an entry for this variant (Variation ID: 485788). Invitae Evidence Modeling of protein sequence and biophysical properties (such as structural, functional, and spatial information, amino acid conservation, physicochemical variation, residue mobility, and thermodynamic stability) indicates that this missense variant is not expected to disrupt MET protein function with a negative predictive value of 80%. In summary, the available evidence is currently insufficient to determine the role of this variant in disease. Therefore, it has been classified as a Variant of Uncertain Significance.

Women's Health and Genetics/Laboratory Corporation of America, LabCorp
Classification: Uncertain significance. Last evaluated: 2022-08-19. Review status: criteria provided, single submitter. Criteria: LabCorp Variant Classification Summary - May 2015. Collection method: clinical testing. Allele origin: germline.

NM_000245.4(MET):c.490C>G (p.Pro164Ala)

Gene: MET (MET proto-oncogene, receptor tyrosine kinase; plus strand). Cytogenetic location: 7q31.2.
Variant type: single nucleotide variant.
Coding change: c.490C>G on transcript NM_000245.4 (MANE Select); coding-DNA position 490, C replaced by G.
Protein change: p.Pro164Ala; replaces proline 164 with alanine.
Molecular consequence: missense variant. On other transcripts: intron variant (1).
Genome position (GRCh38, 1-based): chr7:116,699,574, C>G. VCF-style: chr7-116699574-C-G. GRCh37 (hg19) VCF-style: chr7-116339628-C-G.
Other names: c.490C>G, p.Pro164Ala (NM_001127500.3, NM_001324401.3); c.-91+26997C>G (NM_001324402.2); short protein forms P164A.
Identifiers: ClinVar variation 485788 (VCV000485788.13), dbSNP rs765759353, ClinGen allele CA4447996.